The following is an entry in ClinVar:

NM_001005242.3(PKP2):c.1896G>A (p.Trp632Ter)

Gene: PKP2 (plakophilin 2; minus strand). Cytogenetic location: 12p11.21.
Variant type: single nucleotide variant.
Coding change: c.1896G>A on transcript NM_001005242.3 (MANE Select); coding-DNA position 1896, G replaced by A.
Protein change: p.Trp632Ter; replaces tryptophan 632 with a stop codon.
Molecular consequence: nonsense.
Genome position (GRCh38, 1-based): chr12:32,821,473, C>T on the plus strand (G>A on the coding strand, the complement: PKP2 is on the minus strand). VCF-style: chr12-32821473-C-T. GRCh37 (hg19) VCF-style: chr12-32974407-C-T.
Other names: c.2028G>A, p.Trp676Ter (NM_004572.4); short protein forms W676*, W632*.
Identifiers: ClinVar variation 36682 (VCV000036682.13), dbSNP rs193922673, ClinGen allele CA011644.

ClinVar aggregate classification (germline): Pathogenic. Review status: criteria provided, multiple submitters, no conflicts (2 of 4 stars). 4 submissions from 4 submitters: Pathogenic (4). Last evaluated 2025-11-15.

Conditions:
Familial isolated arrhythmogenic right ventricular dysplasia. Identifiers: Orphanet 217656, MedGen C4274968, MONDO:0016342.
Arrhythmogenic right ventricular dysplasia 9 (ARVD9). Also called: ARRHYTHMOGENIC RIGHT VENTRICULAR DYSPLASIA, FAMILIAL, 9; Arrhythmogenic Right Ventricular Dysplasia/Cardiomyopathy 9. Identifiers: MedGen C1836906, MONDO:0012180, OMIM 609040.

gnomAD v4.1: 1 of 1,614,010 alleles (0.000062%); highest among the groups gnomAD compares: African/African-American, 0.0013%; no homozygotes.

Submissions (4):

GeneDx
Classification: Pathogenic. Last evaluated: 2025-11-15. Review status: criteria provided, single submitter. Criteria: GeneDx Variant Classification Process June 2021. Collection method: clinical testing. Allele origin: germline. Affected: yes.
Comment: Nonsense variant predicted to result in protein truncation or nonsense mediated decay in a gene for which loss of function is a known mechanism of disease; Published functional studies demonstrate a damaging effect through impairing localization and affecting actin organization (PMID: 37833253); Not observed at significant frequency in large population cohorts (gnomAD); This variant is associated with the following publications: (PMID: 25525159, 20031616, 21606390, 25820315, 21606396, 31402444, 31386562, 16567567, 37833253)

Labcorp Genetics (formerly Invitae), Labcorp
Classification: Pathogenic for Arrhythmogenic right ventricular dysplasia 9. Last evaluated: 2025-09-26. Review status: criteria provided, single submitter. Criteria: Invitae Variant Classification Sherloc (09022015). Collection method: clinical testing. Allele origin: germline.
Comment: This sequence change creates a premature translational stop signal (p.Trp676*) in the PKP2 gene. It is expected to result in an absent or disrupted protein product. Loss-of-function variants in PKP2 are known to be pathogenic (PMID: 15489853, 17041889, 23911551). This variant is not present in population databases (gnomAD no frequency). This premature translational stop signal has been observed in individual(s) with arrhythmogenic right ventricular cardiomyopathy (ARVC) (PMID: 16567567, 31386562). ClinVar contains an entry for this variant (Variation ID: 36682). For these reasons, this variant has been classified as Pathogenic.

Women's Health and Genetics/Laboratory Corporation of America, LabCorp
Classification: Pathogenic for Familial isolated arrhythmogenic right ventricular dysplasia. Last evaluated: 2025-05-23. Review status: criteria provided, single submitter. Criteria: LabCorp Variant Classification Summary - May 2015. Collection method: clinical testing. Allele origin: germline.
Comment: Variant summary: PKP2 c.2028G>A (p.Trp676X) results in a premature termination codon, predicted to cause a truncation of the encoded protein or absence of the protein due to nonsense mediated decay, which are commonly known mechanisms for disease. The variant was absent in 251646 control chromosomes. c.2028G>A has been observed in individual(s) affected with Arrhythmogenic Right Ventricular Dysplasia/Cardiomyopathy (vanTintelen_2006). To our knowledge, no experimental evidence demonstrating an impact on protein function has been reported. The following publications have been ascertained in the context of this evaluation (PMID: 16567567, 20031616). ClinVar contains an entry for this variant (Variation ID: 36682). Based on the evidence outlined above, the variant was classified as pathogenic.

HudsonAlpha Institute for Biotechnology
Classification: Pathogenic for Arrhythmogenic right ventricular dysplasia 9. Last evaluated: 2018-01-23. Review status: criteria provided, single submitter. Criteria: ACMG Guidelines, 2015. Collection method: research. Allele origin: unknown. Observed: 1 variant allele. Study: AGHI-GT-HudsonAlpha.

Literature cited by the submitters: PubMed 15489853 (cited by Labcorp Genetics (formerly Invitae), Labcorp); PubMed 17041889 (cited by Labcorp Genetics (formerly Invitae), Labcorp); PubMed 23911551 (cited by Labcorp Genetics (formerly Invitae), Labcorp); PubMed 16567567 (cited by Labcorp Genetics (formerly Invitae), Labcorp and Women's Health and Genetics/Laboratory Corporation of America, LabCorp); PubMed 31386562 (cited by Labcorp Genetics (formerly Invitae), Labcorp); PubMed 18382419 (cited by Women's Health and Genetics/Laboratory Corporation of America, LabCorp); PubMed 20031616 (cited by Women's Health and Genetics/Laboratory Corporation of America, LabCorp).